The following is an entry in ClinVar:

NM_000135.4(FANCA):c.3026G>C (p.Gly1009Ala)

Gene: FANCA (FA complementation group A; minus strand). Cytogenetic location: 16q24.3.
Variant type: single nucleotide variant.
Coding change: c.3026G>C on transcript NM_000135.4 (MANE Select); coding-DNA position 3026, G replaced by C.
Protein change: p.Gly1009Ala; replaces glycine 1009 with alanine.
Molecular consequence: missense variant.
Genome position (GRCh38, 1-based): chr16:89,752,178, C>G on the plus strand (G>C on the coding strand, the complement: FANCA is on the minus strand). VCF-style: chr16-89752178-C-G. GRCh37 (hg19) VCF-style: chr16-89818586-C-G.
Other names: c.3026G>C, p.Gly1009Ala (NM_001286167.3); short protein forms G1009A.
Identifiers: ClinVar variation 3581478 (VCV003581478.2).
Genomic context (GRCh38, chr16:89,752,178, plus strand): 5'-TGTGGCACCCTCAAACTCACCTGCAATCTGGAAATAATATCCTCATTTCCTGTGCGGCCA[C>G]CAAAGACCAAATCAGAATTTTCTGAGTGGTCATAACTCCTTGAGCTGAAATGAAAATACA-3'
Protein context (NP_000126.2, residues 999-1019): DHSENSDLVF[Gly1009Ala]GRTGNEDIIS

ClinVar aggregate classification (germline): Uncertain significance. Review status: criteria provided, multiple submitters, no conflicts (2 of 4 stars). 2 submissions from 2 submitters: Uncertain significance (2). Last evaluated 2025-06-12.

Conditions:
Inborn genetic diseases. Identifiers: MedGen C0950123, MeSH D030342.
Fanconi anemia complementation group A (FANCA). Also called: FANCA-Related Fanconi Anemia; Fanconi anemia, group A. Identifiers: Orphanet 84, MedGen C3469521, MONDO:0009215, OMIM 227650.

gnomAD v4.1: 19 of 1,614,048 alleles (0.0012%); highest among the groups gnomAD compares: Admixed American, 0.0017%; no homozygotes.

Submissions (2):

Ambry Genetics
Classification: Uncertain significance for Inborn genetic diseases. Last evaluated: 2025-06-12. Review status: criteria provided, single submitter. Criteria: Ambry Variant Classification Scheme 2023. Collection method: clinical testing. Allele origin: germline.
Comment: The p.G1009A variant (also known as c.3026G>C), located in coding exon 31 of the FANCA gene, results from a G to C substitution at nucleotide position 3026. The glycine at codon 1009 is replaced by alanine, an amino acid with similar properties. This amino acid position is conserved. In addition, this alteration is predicted to be tolerated by in silico analysis. Based on the available evidence, the clinical significance of this variant remains unclear.

Fulgent Genetics
Classification: Uncertain significance for Fanconi anemia complementation group A. Last evaluated: 2024-02-26. Review status: criteria provided, single submitter. Criteria: ACMG Guidelines, 2015. Collection method: clinical testing. Allele origin: germline.